The following is an entry in ClinVar:

ClinVar aggregate classification (germline): Uncertain significance (1 of 4 stars; one submission).

Conditions:
Hereditary breast ovarian cancer syndrome. Also called: Hereditary breast and ovarian cancer syndrome (HBOC); Hereditary breast and ovarian cancer syndrome; Breast and ovarian cancer; Hereditary breast and ovarian cancer; Hereditary breast and/or ovarian cancer syndrome; BRCA1- and BRCA2-Associated Hereditary Breast and Ovarian Cancer. Identifiers: Orphanet 145, MedGen C0677776, MeSH D061325, MONDO:0003582. Disease mechanism: loss of function.

Submission:

Labcorp Genetics (formerly Invitae), Labcorp
Classification: Uncertain significance for Hereditary breast and ovarian cancer syndrome. Last evaluated: 2018-12-05. Review status: criteria provided, single submitter. Criteria: Invitae Variant Classification Sherloc (09022015). Collection method: clinical testing. Allele origin: germline.
Comment: This sequence change replaces asparagine with isoleucine at codon 1444 of the BRCA1 protein (p.Asn1444Ile). The asparagine residue is moderately conserved and there is a large physicochemical difference between asparagine and isoleucine. This variant is not present in population databases (ExAC no frequency). This variant has not been reported in the literature in individuals with BRCA1-related disease. Algorithms developed to predict the effect of missense changes on protein structure and function (SIFT, PolyPhen-2, Align-GVGD) all suggest that this variant is likely to be tolerated, but these predictions have not been confirmed by published functional studies and their clinical significance is uncertain. In summary, the available evidence is currently insufficient to determine the role of this variant in disease. Therefore, it has been classified as a Variant of Uncertain Significance.

NM_007294.4(BRCA1):c.4331A>T (p.Asn1444Ile)

Gene: BRCA1 (BRCA1 DNA repair associated; minus strand). Cytogenetic location: 17q21.31.
Variant type: single nucleotide variant.
Coding change: c.4331A>T on transcript NM_007294.4 (MANE Select); coding-DNA position 4331, A replaced by T.
Protein change: p.Asn1444Ile; replaces asparagine 1444 with isoleucine.
Molecular consequence: missense variant. On other transcripts: non-coding transcript variant (1).
Genome position (GRCh38, 1-based): chr17:43,082,430, T>A on the plus strand (A>T on the coding strand, the complement: BRCA1 is on the minus strand). VCF-style: chr17-43082430-T-A. GRCh37 (hg19) VCF-style: chr17-41234447-T-A.
Other names: c.4118A>T, p.Asn1373Ile (NM_001407571.1, NM_001407853.1, NM_001407894.1 and 12 more transcripts); c.4331A>T, p.Asn1444Ile (NM_001407581.1, NM_001407582.1, NM_001407583.1 and 23 more transcripts); c.4328A>T, p.Asn1443Ile (NM_001407587.1, NM_001407590.1, NM_001407591.1 and 21 more transcripts); c.4325A>T, p.Asn1442Ile (NM_001407627.1, NM_001407628.1, NM_001407629.1 and 5 more transcripts); c.4319A>T, p.Asn1440Ile (NM_001407646.1, NM_001407647.1); c.4208A>T, p.Asn1403Ile (NM_001407648.1, NM_001407664.1, NM_001407665.1 and 13 more transcripts); c.4205A>T, p.Asn1402Ile (NM_001407649.1, NM_001407670.1, NM_001407671.1 and 12 more transcripts); c.4253A>T, p.Asn1418Ile (NM_001407653.1, NM_001407654.1, NM_001407655.1 and 2 more transcripts); and 51 more; short protein forms N341I, N1397I, N1444I, N1316I, N1317I, N1355I, N1403I, N1417I.
Identifiers: ClinVar variation 662999 (VCV000662999.2), dbSNP rs1597847702, ClinGen allele CA10593061.